The following is an entry in ClinVar:

NM_032380.5(GFM2):c.519+8A>G

Gene: GFM2 (GTP dependent ribosome recycling factor mitochondrial 2; minus strand). Cytogenetic location: 5q13.3.
Variant type: single nucleotide variant.
Coding change: c.519+8A>G on transcript NM_032380.5 (MANE Select); 8 bases into the intron after coding-DNA position 519, A replaced by G.
Molecular consequence: intron variant.
Genome position (GRCh38, 1-based): chr5:74,750,571, T>C on the plus strand (A>G on the coding strand, the complement: GFM2 is on the minus strand). VCF-style: chr5-74750571-T-C. GRCh37 (hg19) VCF-style: chr5-74046396-T-C.
Other names: c.519+8A>G (NM_170691.3, NM_170681.3); c.615+8A>G (NM_001281302.2).
Identifiers: ClinVar variation 4982874 (VCV004982874.1).
Genomic context (GRCh38, chr5:74,750,571, plus strand): 5'-TTTGACATATTCTACTTTTTAAAAAATCATGCTGTTCTAATTCCCTTTACTTTGGCAATA[T>C]TATTTACCTCTACACCAGCAGAGGCATCAAATACAGCCACTGCACCATCCAACACTCTTA-3'

ClinVar aggregate classification (germline): Likely benign (1 of 4 stars; one submission).

Conditions:
GFM2-related disorder. Also called: GFM2-related condition.

Submission:

PreventionGenetics, part of Exact Sciences
Classification: Likely benign for GFM2-related condition. Last evaluated: 2025-02-21. Review status: criteria provided, single submitter. Criteria: ACMG Guidelines, 2015. Collection method: clinical testing. Allele origin: germline.
Comment: This variant is classified as likely benign based on ACMG/AMP sequence variant interpretation guidelines (Richards et al. 2015 PMID: 25741868, with internal and published modifications).